The following is an entry in ClinVar:

ClinVar aggregate classification (germline): Likely benign (1 of 4 stars; one submission).

Submission:

GeneDx
Classification: Likely benign. Last evaluated: 2017-03-10. Review status: criteria provided, single submitter. Criteria: GeneDx Variant Classification (06012015). Collection method: clinical testing. Allele origin: germline. Affected: yes.
Comment: This variant is considered likely benign or benign based on one or more of the following criteria: it is a conservative change, it occurs at a poorly conserved position in the protein, it is predicted to be benign by multiple in silico algorithms, and/or has population frequency not consistent with disease.

NM_144648.3(LRGUK):c.1843+4C>A

Gene: LRGUK (leucine rich repeats and guanylate kinase domain containing; plus strand). Cytogenetic location: 7q33.
Variant type: single nucleotide variant.
Coding change: c.1843+4C>A on transcript NM_144648.3 (MANE Select); 4 bases into the intron after coding-DNA position 1843, C replaced by A.
Molecular consequence: intron variant.
Genome position (GRCh38, 1-based): chr7:134,201,580, C>A. VCF-style: chr7-134201580-C-A. GRCh37 (hg19) VCF-style: chr7-133886332-C-A.
Other names: c.1843+4C>A (NM_001365700.3, NM_001365701.3).
Identifiers: ClinVar variation 507853 (VCV000507853.1), dbSNP rs1554469989, ClinGen allele CA658797016.